The following is an entry in ClinVar:

NM_000169.3(GLA):c.241T>G (p.Trp81Gly)

Genes: GLA (galactosidase alpha; minus strand), RPL36A-HNRNPH2 (RPL36A-HNRNPH2 readthrough; plus strand). Cytogenetic location: Xq22.1.
Variant type: single nucleotide variant.
Coding change: c.241T>G on transcript NM_000169.3 (MANE Select); coding-DNA position 241, T replaced by G.
Protein change: p.Trp81Gly; replaces tryptophan 81 with glycine.
Molecular consequence: missense variant. On other transcripts: non-coding transcript variant (3), intron variant (2).
Genome position (GRCh38, 1-based): chrX:101,403,939, A>C on the plus strand (T>G on the coding strand, the complement: GLA is on the minus strand). VCF-style: chrX-101403939-A-C. GRCh37 (hg19) VCF-style: chrX-100658927-A-C.
Other names: c.364T>G, p.Trp122Gly (NM_001406747.1, NM_001406749.1); c.241T>G, p.Trp81Gly (NM_001406748.1); c.301-7997A>C (NM_001199973.2); c.178-7997A>C (NM_001199974.2); short protein forms W122G, W81G.
Identifiers: ClinVar variation 4974873 (VCV004974873.1).

ClinVar aggregate classification (germline): Likely pathogenic (1 of 4 stars; one submission).

Conditions:
Fabry disease. Also called: Fabry's disease; ALPHA-GALACTOSIDASE A DEFICIENCY; ANDERSON-FABRY DISEASE; CERAMIDE TRIHEXOSIDASE DEFICIENCY; GLA DEFICIENCY; HEREDITARY DYSTOPIC LIPIDOSIS. Identifiers: Orphanet 324, MedGen C0002986, MONDO:0010526, OMIM 301500, HP:0001071. Disease mechanism: Fabry disease is due to inactivating mutations in the X-linked GLA gene resulting in deficiency of the enzyme Alpha Galactosidase-A., loss of function.

Submission:

Genomenon, Inc
Classification: Likely pathogenic for Fabry disease. Last evaluated: 2026-09-08. Review status: criteria provided, single submitter. Criteria: Genomenon Sequence Variant Interpretation Standards - Updated. Collection method: curation. Allele origin: germline. Affected: yes.
Comment: GLA p.Trp81Gly (c.241T>G) is a missense variant that changes the amino acid at codon 81 from Tryptophan to Glycine. This variant has been observed in at least one proband with clinical features consistent with Fabry disease (PMID:32534932). The presence of pathogenic/likely pathogenic missense variant(s) at the same amino acid position indicates that this residue is likely important for protein function. It is absent or not present at a significant frequency in gnomAD. In silico models predict that this variant is possibly or probably damaging. In conclusion, we classify GLA p.Trp81Gly (c.241T>G) as a likely pathogenic variant.

Literature cited by the submitters: PubMed 32534932.